The following is an entry in ClinVar:

NM_201378.4(PLEC):c.19G>T (p.Asp7Tyr)

Gene: PLEC (plectin; minus strand). Cytogenetic location: 8q24.3.
Variant type: single nucleotide variant.
Coding change: c.19G>T on transcript NM_201378.4 (MANE Plus Clinical); coding-DNA position 19, G replaced by T.
Protein change: p.Asp7Tyr; replaces aspartic acid 7 with tyrosine.
Molecular consequence: missense variant. On other transcripts: intron variant (2).
Genome position (GRCh38, 1-based): chr8:143,973,454, C>A on the plus strand (G>T on the coding strand, the complement: PLEC is on the minus strand). VCF-style: chr8-143973454-C-A. GRCh37 (hg19) VCF-style: chr8-145047622-C-A.
Other names: c.193+1723G>T (NM_001410941.1, NM_000445.5); short protein forms D7Y.
Identifiers: ClinVar variation 1670910 (VCV001670910.9), dbSNP rs2132991758, ClinGen allele CA372488508.
Genomic context (GRCh38, chr8:143,973,454, plus strand): 5'-GGGCCGTACCTTTGTACTTCTCGCGCACCTCCTCGTAGGCCTGGATGAAGTCCTGCTCGT[C>A]GGGCAGCGGGCCGGCCATGCCGGCGGGCGCGGGGCGCGGGGTGCAGCGGAGCCTCCAGCA-3'
Protein context (NP_958780.1, residues 1-17): MAGPLP[Asp7Tyr]EQDFIQAYEE

ClinVar aggregate classification (germline): Uncertain significance (1 of 4 stars; one submission).

Conditions:
Epidermolysis bullosa simplex with nail dystrophy (EBS5D). Identifiers: MedGen C4225309, MONDO:0014661, OMIM 616487.
Epidermolysis bullosa simplex, Ogna type (EBS5A). Also called: Pidermolysis bullosa simplex 5A, Ogna type; EPIDERMOLYSIS BULLOSA SIMPLEX 5A, OGNA TYPE. Identifiers: Orphanet 79401, MedGen C0432317, MONDO:0007555, OMIM 131950.
Autosomal recessive limb-girdle muscular dystrophy type 2Q (LGMDR17). Also called: MUSCULAR DYSTROPHY, LIMB-GIRDLE, AUTOSOMAL RECESSIVE 17. Identifiers: Orphanet 254361, MedGen C3150989, MONDO:0013390, OMIM 613723.
Epidermolysis bullosa simplex 5C, with pyloric atresia (EBS5C). Also called: PLEC-Related Epidermolysis Bullosa with Pyloric Atresia; Epidermolysis bullosa simplex with pyloric atresia; PLEC1-Related Epidermolysis Bullosa with Pyloric Atresia. Identifiers: Orphanet 158684, MedGen C2677349, MONDO:0012807, OMIM 612138.
Epidermolysis bullosa simplex 5B, with muscular dystrophy (EBS5B). Also called: EPIDERMOLYSIS BULLOSA SIMPLEX AND LIMB-GIRDLE MUSCULAR DYSTROPHY; Epidermolysis bullosa simplex with muscular dystrophy. Identifiers: Orphanet 257, MedGen C2931072, MONDO:0009181, OMIM 226670.

Submission:

Labcorp Genetics (formerly Invitae), Labcorp
Classification: Uncertain significance for Autosomal recessive limb-girdle muscular dystrophy type 2Q; Epidermolysis bullosa simplex, Ogna type; Epidermolysis bullosa simplex with nail dystrophy; Epidermolysis bullosa simplex 5C, with pyloric atresia; Epidermolysis bullosa simplex 5B, with muscular dystrophy. Last evaluated: 2023-05-23. Review status: criteria provided, single submitter. Criteria: Invitae Variant Classification Sherloc (09022015). Collection method: clinical testing. Allele origin: germline.
Comment: This variant has not been reported in the literature in individuals affected with PLEC-related conditions. In summary, the available evidence is currently insufficient to determine the role of this variant in disease. Therefore, it has been classified as a Variant of Uncertain Significance. Algorithms developed to predict the effect of sequence changes on RNA splicing suggest that this variant is not likely to affect RNA splicing. Experimental studies and prediction algorithms are not available or were not evaluated, and the functional significance of this variant is currently unknown. ClinVar contains an entry for this variant (Variation ID: 1670910). This variant is not present in population databases (gnomAD no frequency). This sequence change replaces aspartic acid, which is acidic and polar, with tyrosine, which is neutral and polar, at codon 7 of the PLEC protein (p.Asp7Tyr). The PLEC gene has multiple clinically relevant transcripts. This variant occurs in alternate transcript NM_201378.3, and corresponds to NM_000445.4:c.193+1723G>T in the primary transcript.